The following is an entry in ClinVar:

NM_006904.7(PRKDC):c.2128T>C (p.Phe710Leu)

Gene: PRKDC (protein kinase, DNA-activated, catalytic subunit; minus strand). Cytogenetic location: 8q11.21.
Variant type: single nucleotide variant.
Coding change: c.2128T>C on transcript NM_006904.7 (MANE Select); coding-DNA position 2128, T replaced by C.
Protein change: p.Phe710Leu; replaces phenylalanine 710 with leucine.
Molecular consequence: missense variant.
Genome position (GRCh38, 1-based): chr8:47,929,103, A>G on the plus strand (T>C on the coding strand, the complement: PRKDC is on the minus strand). VCF-style: chr8-47929103-A-G. GRCh37 (hg19) VCF-style: chr8-48841663-A-G.
Other names: c.2128T>C, p.Phe710Leu (NM_001081640.2); short protein forms F710L.
Identifiers: ClinVar variation 3310028 (VCV003310028.1).

ClinVar aggregate classification (germline): Uncertain significance (1 of 4 stars; one submission).

gnomAD v4.1: 1 of 1,564,648 alleles (0.000064%); highest among the groups gnomAD compares: Non-Finnish European, 0.000087%; no homozygotes.

Submission:

Ambry Genetics
Classification: Uncertain significance. Last evaluated: 2024-05-17. Review status: criteria provided, single submitter. Criteria: Ambry Variant Classification Scheme 2023. Collection method: clinical testing. Allele origin: germline.
Comment: The p.F710L variant (also known as c.2128T>C), located in coding exon 19 of the PRKDC gene, results from a T to C substitution at nucleotide position 2128. The phenylalanine at codon 710 is replaced by leucine, an amino acid with highly similar properties. This amino acid position is conserved. In addition, the in silico prediction for this alteration is inconclusive. Based on the available evidence, the clinical significance of this variant remains unclear.